The following is an entry in ClinVar:

NM_003000.3(SDHB):c.73G>T (p.Ala25Ser)

Gene: SDHB (succinate dehydrogenase complex iron sulfur subunit B; minus strand). Cytogenetic location: 1p36.13.
Variant type: single nucleotide variant.
Coding change: c.73G>T on transcript NM_003000.3 (MANE Select); coding-DNA position 73, G replaced by T.
Protein change: p.Ala25Ser; replaces alanine 25 with serine.
Molecular consequence: missense variant.
Genome position (GRCh38, 1-based): chr1:17,044,888, C>A on the plus strand (G>T on the coding strand, the complement: SDHB is on the minus strand). VCF-style: chr1-17044888-C-A. GRCh37 (hg19) VCF-style: chr1-17371383-C-A.
Other names: short protein forms A25S.
Identifiers: ClinVar variation 1472079 (VCV001472079.10), dbSNP rs768101924, ClinGen allele CA338228440.

ClinVar aggregate classification (germline): Uncertain significance. Review status: criteria provided, multiple submitters, no conflicts (2 of 4 stars). 3 submissions from 3 submitters: Uncertain significance (3). Last evaluated 2024-06-03.

Conditions:
Gastrointestinal stromal tumor. Also called: Gastrointestinal stroma tumor; Gastrointestinal stromal tumor, somatic. Identifiers: Orphanet 44890, MedGen C0238198, MeSH D046152, MONDO:0011719, OMIM 606764, HP:0100723.
Carney-Stratakis syndrome. Also called: PARAGANGLIOMA AND GASTROINTESTINAL STROMAL TUMOR. Identifiers: Orphanet 97286, MedGen C1847319, MONDO:0011740, OMIM 606864.
Pheochromocytoma/paraganglioma syndrome 4. Also called: CAROTID BODY TUMORS AND MULTIPLE EXTRAADRENAL PHEOCHROMOCYTOMAS; SDHB-Related Hereditary Paraganglioma-Pheochromocytoma Syndrome; PARAGANGLIOMA, FAMILIAL MALIGNANT; PARAGANGLIOMAS, HEREDITARY EXTRAADRENAL; PHEOCHROMOCYTOMA, FAMILIAL EXTRAADRENAL; Paragangliomas 4. Identifiers: Orphanet 29072, MedGen C1861848, MONDO:0007273, OMIM 115310.
Mitochondrial complex 2 deficiency, nuclear type 4. Also called: MITOCHONDRIAL COMPLEX II DEFICIENCY, NUCLEAR TYPE 4. Identifiers: MedGen C5543176, MONDO:0030974, OMIM 619224.
Pheochromocytoma. Also called: MAX-Related Hereditary Paraganglioma-Pheochromocytoma Syndrome. Identifiers: Orphanet 29072, MedGen C0031511, MONDO:0008233, OMIM 171300, HP:0002666.
Hereditary pheochromocytoma and paraganglioma. Also called: Hereditary pheochromocytoma-paraganglioma; Hereditary paragangliomas and pheochromocytomas; Hereditary Paraganglioma-Pheochromocytoma Syndromes. Identifiers: Orphanet 29072, MedGen C4274332, MONDO:0017366.

gnomAD v4.1: 3 of 1,613,050 alleles (0.00019%); highest among the groups gnomAD compares: South Asian, 0.0011%; no homozygotes.

Submissions (3):

Labcorp Genetics (formerly Invitae), Labcorp
Classification: Uncertain significance for Gastrointestinal stromal tumor; Pheochromocytoma/paraganglioma syndrome 4; Pheochromocytoma. Last evaluated: 2024-06-03. Review status: criteria provided, single submitter. Criteria: Invitae Variant Classification Sherloc (09022015). Collection method: clinical testing. Allele origin: germline.
Comment: This sequence change replaces alanine, which is neutral and non-polar, with serine, which is neutral and polar, at codon 25 of the SDHB protein (p.Ala25Ser). This variant is present in population databases (no rsID available, gnomAD 0.002%). This variant has not been reported in the literature in individuals affected with SDHB-related conditions. ClinVar contains an entry for this variant (Variation ID: 1472079). An algorithm developed to predict the effect of missense changes on protein structure and function (PolyPhen-2) suggests that this variant is likely to be tolerated. In summary, the available evidence is currently insufficient to determine the role of this variant in disease. Therefore, it has been classified as a Variant of Uncertain Significance.

All of Us Research Program, National Institutes of Health
Classification: Uncertain significance for Hereditary pheochromocytoma and paraganglioma. Last evaluated: 2024-04-16. Review status: criteria provided, single submitter. Criteria: ACMG Guidelines, 2015. Collection method: clinical testing. Allele origin: germline. Inheritance: Autosomal dominant inheritance. Observed: 1 variant allele, 1 heterozygote.
Comment: This missense variant replaces alanine with serine at codon 25 of the SDHB protein. Computational prediction suggests that this variant may not impact protein structure and function. To our knowledge, functional studies have not been reported for this variant. This variant has not been reported in individuals affected with SDHB-related disorders in the literature. This variant has been identified in 2/249888 chromosomes in the general population by the Genome Aggregation Database (gnomAD). The available evidence is insufficient to determine the role of this variant in disease conclusively. Therefore, this variant is classified as a Variant of Uncertain Significance.

This study involves interpretation of variants in research participants for the purpose of population health screening. Participant phenotype was not available at the time of variant classification. Additional details can be found in publication PMID: 35346344, PMCID: PMC8962531

Department of Pathology and Laboratory Medicine, Sinai Health System
Classification: Uncertain significance for Pheochromocytoma/paraganglioma syndrome 4; Gastrointestinal stromal tumor; Carney-Stratakis syndrome; Mitochondrial complex 2 deficiency, nuclear type 4. Last evaluated: 2022-03-08. Review status: criteria provided, single submitter. Criteria: ACMG Guidelines, 2015. Collection method: clinical testing. Allele origin: germline. Affected: yes.